The following is an entry in ClinVar:

ClinVar aggregate classification (germline): Pathogenic (1 of 4 stars; one submission).

Conditions:
Glycine encephalopathy. Also called: Nonketotic hyperglycinemia; Non-ketotic hyperglycinemia. Identifiers: Orphanet 407, MedGen C0751748, MONDO:0011612, HP:0008288.

Submission:

Labcorp Genetics (formerly Invitae), Labcorp
Classification: Pathogenic for Glycine encephalopathy. Last evaluated: 2024-02-02. Review status: criteria provided, single submitter. Criteria: Invitae Variant Classification Sherloc (09022015). Collection method: clinical testing. Allele origin: germline.
Comment: This sequence change creates a premature translational stop signal (p.Leu22Glyfs*58) in the GLDC gene. It is expected to result in an absent or disrupted protein product. Loss-of-function variants in GLDC are known to be pathogenic (PMID: 16601880). This variant is not present in population databases (gnomAD no frequency). This variant has not been reported in the literature in individuals affected with GLDC-related conditions. For these reasons, this variant has been classified as Pathogenic.

Literature cited by the submitters: PubMed 16601880.

NM_000170.3(GLDC):c.64_97del (p.Leu22fs)

Gene: GLDC (glycine decarboxylase; minus strand). Cytogenetic location: 9p24.1.
Variant type: Deletion.
Coding change: c.64_97del on transcript NM_000170.3 (MANE Select); coding-DNA positions 64 to 97, 34 bases deleted.
Protein change: p.Leu22fs; shifts the reading frame from leucine 22.
Molecular consequence: frameshift variant.
Genome position (GRCh38, 1-based): chr9:6,645,403-6,645,436, 34 bases deleted; deleting any 34 consecutive bases within chr9:6,645,403-6,645,442 gives the same sequence; the c. name uses the placement nearest the transcript's 3' end. GRCh37 (hg19): chr9:6,645,409-6,645,442.
Other names: short protein forms L22fs.
Identifiers: ClinVar variation 3638339 (VCV003638339.2).